The following is an entry in ClinVar:

NC_000001.10:g.(?_213341181)_(213341336_?)dup

Gene: RPS6KC1 (ribosomal protein S6 kinase C1; plus strand). Cytogenetic location: 1q32.3.
Variant type: Duplication.
Identifiers: ClinVar variation 1440761 (VCV001440761.4).

ClinVar aggregate classification (germline): Uncertain significance (1 of 4 stars; one submission).

Submission:

Labcorp Genetics (formerly Invitae), Labcorp
Classification: Uncertain significance. Last evaluated: 2021-09-10. Review status: criteria provided, single submitter. Criteria: Invitae Variant Classification Sherloc (09022015). Collection method: clinical testing. Allele origin: germline.
Comment: In summary, the available evidence is currently insufficient to determine the role of this variant in disease. Therefore, it has been classified as a Variant of Uncertain Significance. This variant has not been reported in the literature in individuals affected with RPS6KC1-related conditions. This variant results in a copy number gain of the genomic region encompassing exon(s) 7 of the RPS6KC1 gene. While the exact position of this variant cannot be determined from the data, sub-genic copy number gains are generally in tandem (PMID: 25640679). This variant is predicted to be out-of-frame, and may result in an absent or disrupted protein product. However, the current clinical and genetic evidence is not sufficient to establish whether loss-of-function variants in RPS6KC1 cause disease.

Literature cited by the submitters: PubMed 25640679.